The following is an entry in ClinVar:

NM_001868.4(CPA1):c.188T>C (p.Ile63Thr)

Gene: CPA1 (carboxypeptidase A1; plus strand). Cytogenetic location: 7q32.2.
Variant type: single nucleotide variant.
Coding change: c.188T>C on transcript NM_001868.4 (MANE Select); coding-DNA position 188, T replaced by C.
Protein change: p.Ile63Thr; replaces isoleucine 63 with threonine.
Molecular consequence: missense variant.
Genome position (GRCh38, 1-based): chr7:130,381,670, T>C. VCF-style: chr7-130381670-T-C. GRCh37 (hg19) VCF-style: chr7-130021511-T-C.
Other names: short protein forms I63T.
Identifiers: ClinVar variation 4559682 (VCV004559682.1).

ClinVar aggregate classification (germline): Uncertain significance (1 of 4 stars; one submission).

Conditions:
Hereditary pancreatitis (PCTT). Also called: Hereditary chronic pancreatitis; PRSS1-Related Hereditary Pancreatitis. Identifiers: Orphanet 676, MedGen C0238339, MONDO:0008185, OMIM 167800.

Submission:

Ambry Genetics
Classification: Uncertain significance for Hereditary pancreatitis. Last evaluated: 2025-11-16. Review status: criteria provided, single submitter. Criteria: Ambry Variant Classification Scheme 2023. Collection method: clinical testing. Allele origin: germline.
Comment: The p.I63T variant (also known as c.188T>C), located in coding exon 3 of the CPA1 gene, results from a T to C substitution at nucleotide position 188. The isoleucine at codon 63 is replaced by threonine, an amino acid with similar properties. This amino acid position is conserved. In addition, this alteration is predicted to be tolerated by in silico analysis. Based on the available evidence, the clinical significance of this variant remains unclear.